The following is an entry in ClinVar:

ClinVar aggregate classification (germline): Uncertain significance (1 of 4 stars; one submission).

Allele frequency attached by ClinVar (database versions not stated): gnomAD exomes below 0.00001; TOPMed below 0.00001.

Submission:

Labcorp Genetics (formerly Invitae), Labcorp
Classification: Uncertain significance. Last evaluated: 2023-10-24. Review status: criteria provided, single submitter. Criteria: Invitae Variant Classification Sherloc (09022015). Collection method: clinical testing. Allele origin: germline.
Comment: This sequence change replaces arginine, which is basic and polar, with tryptophan, which is neutral and slightly polar, at codon 87 of the NOG protein (p.Arg87Trp). This variant is not present in population databases (gnomAD no frequency). This variant has not been reported in the literature in individuals affected with NOG-related conditions. An algorithm developed to predict the effect of missense changes on protein structure and function (PolyPhen-2) suggests that this variant is likely to be disruptive. In summary, the available evidence is currently insufficient to determine the role of this variant in disease. Therefore, it has been classified as a Variant of Uncertain Significance.

NM_005450.6(NOG):c.259C>T (p.Arg87Trp)

Gene: NOG (noggin; plus strand). Cytogenetic location: 17q22.
Variant type: single nucleotide variant.
Coding change: c.259C>T on transcript NM_005450.6 (MANE Select); coding-DNA position 259, C replaced by T.
Protein change: p.Arg87Trp; replaces arginine 87 with tryptophan.
Molecular consequence: missense variant.
Genome position (GRCh38, 1-based): chr17:56,594,482, C>T. VCF-style: chr17-56594482-C-T. GRCh37 (hg19) VCF-style: chr17-54671843-C-T.
Other names: short protein forms R87W.
Identifiers: ClinVar variation 3006028 (VCV003006028.3), dbSNP rs991943783, ClinGen allele CA292532890.
Genomic context (GRCh38, chr17:56,594,482, plus strand): 5'-CGCTCGCTGCTCGGGGGCCACTACGACCCAGGCTTCATGGCCACCTCGCCCCCCGAGGAC[C>T]GGCCCGGCGGGGGCGGGGGTGCAGCTGGGGGCGCGGAGGACCTGGCGGAGCTGGACCAGC-3'
Protein context (NP_005441.1, residues 77-97): GFMATSPPED[Arg87Trp]PGGGGGAAGG